The following is an entry in ClinVar:

ClinVar aggregate classification (germline): Uncertain significance (1 of 4 stars; one submission).

Submission:

Labcorp Genetics (formerly Invitae), Labcorp
Classification: Uncertain significance. Last evaluated: 2023-10-25. Review status: criteria provided, single submitter. Criteria: Invitae Variant Classification Sherloc (09022015). Collection method: clinical testing. Allele origin: germline.
Comment: This sequence change replaces proline, which is neutral and non-polar, with histidine, which is basic and polar, at codon 1084 of the POLE protein (p.Pro1084His). This variant is not present in population databases (gnomAD no frequency). This variant has not been reported in the literature in individuals affected with POLE-related conditions. Advanced modeling of protein sequence and biophysical properties (such as structural, functional, and spatial information, amino acid conservation, physicochemical variation, residue mobility, and thermodynamic stability) performed at Invitae indicates that this missense variant is expected to disrupt POLE protein function with a positive predictive value of 80%. In summary, the available evidence is currently insufficient to determine the role of this variant in disease. Therefore, it has been classified as a Variant of Uncertain Significance.

NM_006231.4(POLE):c.3251C>A (p.Pro1084His)

Gene: POLE (DNA polymerase epsilon, catalytic subunit; minus strand). Cytogenetic location: 12q24.33.
Variant type: single nucleotide variant.
Coding change: c.3251C>A on transcript NM_006231.4 (MANE Select); coding-DNA position 3251, C replaced by A.
Protein change: p.Pro1084His; replaces proline 1084 with histidine.
Molecular consequence: missense variant.
Genome position (GRCh38, 1-based): chr12:132,659,319, G>T on the plus strand (C>A on the coding strand, the complement: POLE is on the minus strand). VCF-style: chr12-132659319-G-T. GRCh37 (hg19) VCF-style: chr12-133235905-G-T.
Other names: short protein forms P1084H.
Identifiers: ClinVar variation 2771710 (VCV002771710.3), dbSNP rs2042627358, ClinGen allele CA387390334.
Genomic context (GRCh38, chr12:132,659,319, plus strand): 5'-GAGCCCTCACCTCTCCGTGATGGGGGGAGCCCTCACCTCTCCGTGACAGGGGAGCCCTCG[G>T]GCTTGCGGGAGATGATGTAGCGGCAACTCAGCCCTGCATCCTTGACCATCTGGTCTCCCA-3'
Protein context (NP_006222.2, residues 1074-1094): LSCRYIISRK[Pro1084His]EGSPVTERAI